The following is an entry in ClinVar:

NM_144997.7(FLCN):c.1062+3A>G

Gene: FLCN (folliculin; minus strand). Cytogenetic location: 17p11.2.
Variant type: single nucleotide variant.
Coding change: c.1062+3A>G on transcript NM_144997.7 (MANE Select); 3 bases into the intron after coding-DNA position 1062, A replaced by G.
Molecular consequence: intron variant.
Genome position (GRCh38, 1-based): chr17:17,219,016, T>C on the plus strand (A>G on the coding strand, the complement: FLCN is on the minus strand). VCF-style: chr17-17219016-T-C. GRCh37 (hg19) VCF-style: chr17-17122330-T-C.
Other names: c.1062+3A>G (NM_001353231.2, NM_001353230.2); c.1116+3A>G (NM_001353229.2).
Identifiers: ClinVar variation 1780488 (VCV001780488.4), dbSNP rs2544192836, ClinGen allele CA2580092609.

ClinVar aggregate classification (germline): Uncertain significance (1 of 4 stars; one submission).

Conditions:
Hereditary cancer-predisposing syndrome. Also called: Tumor predisposition; Hereditary Cancer Syndrome; Hereditary neoplastic syndrome; Neoplastic Syndromes, Hereditary. Identifiers: Orphanet 140162, MedGen C0027672, MeSH D009386, MONDO:0015356.

Submission:

Ambry Genetics
Classification: Uncertain significance for Hereditary cancer-predisposing syndrome. Last evaluated: 2026-03-13. Review status: criteria provided, single submitter. Criteria: Ambry Variant Classification Scheme 2023. Collection method: clinical testing. Allele origin: germline.
Comment: The c.1062+3A>G intronic variant results from an A to G substitution 3 nucleotides after coding exon 6 in the FLCN gene. This nucleotide position is not well conserved in available vertebrate species. In silico splice site analysis for this alteration is inconclusive; however, direct evidence is insufficient at this time (Ambry internal data). Since supporting evidence is limited at this time, the clinical significance of this alteration remains unclear.